The following is an entry in ClinVar:

NM_033109.5(PNPT1):c.1177-293C>T

Gene: PNPT1 (polyribonucleotide nucleotidyltransferase 1; minus strand). Cytogenetic location: 2p16.1.
Variant type: single nucleotide variant.
Coding change: c.1177-293C>T on transcript NM_033109.5 (MANE Select); 293 bases into the intron before coding-DNA position 1177, C replaced by T.
Molecular consequence: intron variant.
Genome position (GRCh38, 1-based): chr2:55,662,319, G>A on the plus strand (C>T on the coding strand, the complement: PNPT1 is on the minus strand). VCF-style: chr2-55662319-G-A. GRCh37 (hg19) VCF-style: chr2-55889454-G-A.
Identifiers: ClinVar variation 671576 (VCV000671576.1), dbSNP rs56071955, ClinGen allele CA11294992.

ClinVar aggregate classification (germline): Benign (1 of 4 stars; one submission).

Allele frequency attached by ClinVar (database versions not stated): 1000 Genomes Project 30x 0.06230; 1000 Genomes Project 0.06330; TOPMed 0.08135; gnomAD 0.08264 and 0.08355.
gnomAD v4.1: 12,804 of 152,254 alleles (8.4%); highest among the groups gnomAD compares: South Asian, 14%; 650 homozygotes.

Submission:

GeneDx
Classification: Benign. Last evaluated: 2018-06-16. Review status: criteria provided, single submitter. Criteria: GeneDx Variant Classification (06012015). Collection method: clinical testing. Allele origin: germline. Affected: yes.
Comment: This variant is considered likely benign or benign based on one or more of the following criteria: it is a conservative change, it occurs at a poorly conserved position in the protein, it is predicted to be benign by multiple in silico algorithms, and/or has population frequency not consistent with disease.